The following is an entry in ClinVar:

ClinVar aggregate classification (germline): Pathogenic (1 of 4 stars; one submission).

Conditions:
Oculocutaneous albinism type 1A (OCA1A). Also called: Albinism, oculocutaneous, type IA. Identifiers: Orphanet 352731, Orphanet 79431, MedGen C4551504, MONDO:0008745, OMIM 203100. Disease mechanism: loss of function.

Submission:

Laboratory of Medical Genetics, National & Kapodistrian University of Athens
Classification: Pathogenic for Oculocutaneous albinism type 1A. Last evaluated: 2021-10-01. Review status: criteria provided, single submitter. Criteria: ACMG Guidelines, 2015. Collection method: clinical testing. Allele origin: unknown. Affected: yes.
Comment: PVS1, PM2, PP3, PP4

Literature cited by the submitters: PubMed 34008892.

NM_000372.5(TYR):c.859dup (p.Ser287fs)

Gene: TYR (tyrosinase; plus strand). Cytogenetic location: 11q14.3.
Variant type: Duplication.
Coding change: c.859dup on transcript NM_000372.5 (MANE Select); coding-DNA position 859, one base duplicated (T; older notation c.859dupT).
Protein change: p.Ser287fs; shifts the reading frame from serine 287.
Molecular consequence: frameshift variant.
Genome position (GRCh38, 1-based): chr11:89,191,241, T duplicated. VCF-style (leftmost placement, unchanged base first): chr11-89191240-G-GT. GRCh37 (hg19) VCF-style: chr11-88924408-G-GT.
Other names: c.859dupT (NM_000372.5); short protein forms S287fs.
Identifiers: ClinVar variation 1299540 (VCV001299540.1), dbSNP rs2135253148, ClinGen allele CA2499221355.